The following is an entry in ClinVar:

ClinVar aggregate classification (germline): Uncertain significance. Review status: criteria provided, multiple submitters, no conflicts (2 of 4 stars). 2 submissions from 2 submitters: Uncertain significance (2). Last evaluated 2025-12-13.

Conditions:
Autosomal recessive limb-girdle muscular dystrophy type 2J (LGMDR10). Also called: Limb-girdle muscular dystrophy, type 2J; MUSCULAR DYSTROPHY, LIMB-GIRDLE, AUTOSOMAL RECESSIVE 10. Identifiers: Orphanet 140922, MedGen C1837342, MONDO:0012127, OMIM 608807.
Dilated cardiomyopathy 1G (CMD1G). Identifiers: Orphanet 154, MedGen C1858763, MONDO:0011400, OMIM 604145.

gnomAD v4.1: 14 of 1,614,026 alleles (0.00087%); highest among the groups gnomAD compares: South Asian, 0.012%; no homozygotes.

Submissions (2):

Labcorp Genetics (formerly Invitae), Labcorp
Classification: Uncertain significance for Dilated cardiomyopathy 1G; Autosomal recessive limb-girdle muscular dystrophy type 2J. Last evaluated: 2025-12-13. Review status: criteria provided, single submitter. Criteria: Invitae Variant Classification Sherloc (09022015). Collection method: clinical testing. Allele origin: germline.
Comment: This sequence change replaces asparagine, which is neutral and polar, with serine, which is neutral and polar, at codon 35629 of the TTN protein (p.Asn35629Ser). This variant is present in population databases (rs781094190, gnomAD 0.01%). This variant has not been reported in the literature in individuals affected with TTN-related conditions. ClinVar contains an entry for this variant (Variation ID: 3899044). Experimental studies and prediction algorithms are not available or were not evaluated, and the functional significance of this variant is currently unknown. This variant is located in the M band of TTN (PMID: 25589632). Non-truncating variants in this region may be relevant for neuromuscular disorders, but have not been definitively shown to cause cardiomyopathy (PMID: 23975875). In summary, the available evidence is currently insufficient to determine the role of this variant in disease. Therefore, it has been classified as a Variant of Uncertain Significance.

GeneDx
Classification: Uncertain significance. Last evaluated: 2025-11-07. Review status: criteria provided, single submitter. Criteria: GeneDx Variant Classification Process June 2021. Collection method: clinical testing. Allele origin: germline.
Comment: Not observed at significant frequency in large population cohorts (gnomAD); Missense variant in a gene in which most reported pathogenic variants are truncating/loss of function; Has not been previously published as pathogenic or benign to our knowledge

Literature cited by the submitters: PubMed 25589632 (cited by Labcorp Genetics (formerly Invitae), Labcorp); PubMed 23975875 (cited by Labcorp Genetics (formerly Invitae), Labcorp).

NM_001267550.2(TTN):c.106886A>G (p.Asn35629Ser)

Genes: TTN (titin; minus strand), TTN-AS1 (TTN antisense RNA 1; plus strand). Cytogenetic location: 2q31.2.
Variant type: single nucleotide variant.
Coding change: c.106886A>G on transcript NM_001267550.2 (MANE Select); coding-DNA position 106886, A replaced by G.
Protein change: p.Asn35629Ser; replaces asparagine 35629 with serine.
Molecular consequence: missense variant.
Genome position (GRCh38, 1-based): chr2:178,528,865, T>C on the plus strand (A>G on the coding strand, the complement: TTN is on the minus strand). VCF-style: chr2-178528865-T-C. GRCh37 (hg19) VCF-style: chr2-179393592-T-C.
Other names: c.101963A>G, p.Asn33988Ser (NM_001256850.1); c.79691A>G, p.Asn26564Ser (NM_003319.4); c.99182A>G, p.Asn33061Ser (NM_133378.4); c.80066A>G, p.Asn26689Ser (NM_133432.3); c.80267A>G, p.Asn26756Ser (NM_133437.4); short protein forms N26564S, N26689S, N26756S, N33061S, N33988S, N35629S.
Identifiers: ClinVar variation 3899044 (VCV003899044.3).